The following is an entry in ClinVar:

ClinVar aggregate classification (germline): Pathogenic (1 of 4 stars; one submission).

Conditions:
Hereditary cancer-predisposing syndrome. Also called: Neoplastic Syndromes, Hereditary; Tumor predisposition; Hereditary neoplastic syndrome; Hereditary Cancer Syndrome. Identifiers: Orphanet 140162, MedGen C0027672, MeSH D009386, MONDO:0015356.

Submission:

Ambry Genetics
Classification: Pathogenic for Hereditary cancer-predisposing syndrome. Last evaluated: 2026-08-19. Review status: criteria provided, single submitter. Criteria: Ambry Variant Classification Scheme 2023. Collection method: clinical testing. Allele origin: germline.
Comment: The c.819_822delTACT pathogenic mutation, located in coding exon 4 of the PALB2 gene, results from a deletion of 4 nucleotides at nucleotide positions 819 to 822, causing a translational frameshift with a predicted alternate stop codon (p.T274Lfs*4). This variant is considered to be rare based on population cohorts in the Genome Aggregation Database (gnomAD). This alteration is expected to result in loss of function by premature protein truncation or nonsense-mediated mRNA decay. As such, this alteration is interpreted as a disease-causing mutation.

NM_024675.4(PALB2):c.819_822del (p.Thr274fs)

Gene: PALB2 (partner and localizer of BRCA2; minus strand). Cytogenetic location: 16p12.2.
Variant type: Deletion.
Coding change: c.819_822del on transcript NM_024675.4 (MANE Select); coding-DNA positions 819 to 822, 4 bases deleted (TACT; older notation c.819_822delTACT).
Protein change: p.Thr274fs; shifts the reading frame from threonine 274.
Molecular consequence: frameshift variant. On other transcripts: 5 prime UTR variant (8), intron variant (3).
Genome position (GRCh38, 1-based): chr16:23,635,724-23,635,727, AGTA deleted on the plus strand (TACT on the coding strand, the reverse complement: PALB2 is on the minus strand); deleting any 4 consecutive bases within chr16:23,635,724-23,635,730 gives the same sequence; the c. name uses the placement nearest the transcript's 3' end. VCF-style (leftmost placement, unchanged base first): chr16-23635723-TAGTA-T. GRCh37 (hg19) VCF-style: chr16-23647044-TAGTA-T.
Other names: c.819_822delTACT (NM_024675.3); c.819_822del, p.Thr274fs (NM_001407298.1, NM_001407299.1, NM_001407300.1 and 3 more transcripts); c.-67_-64del (NM_001407304.1, NM_001407305.1, NM_001407306.1 and 5 more transcripts); c.759_762del, p.Thr254fs (NM_001407296.1); c.48+5383_48+5386del (NM_001407314.1); c.-104-5258_-104-5255del (NM_001407313.1, NM_001407312.1); short protein forms T254fs, T274fs.
Identifiers: ClinVar variation 5026191 (VCV005026191.1).